The following is an entry in ClinVar:

ClinVar aggregate classification (germline): Conflicting classifications of pathogenicity. Review status: criteria provided, conflicting classifications (1 of 4 stars). 3 submissions from 3 submitters: Uncertain significance (2); Likely benign (1). Last evaluated 2025-05-14.

Conditions:
Wilms tumor 1 (WT1). Also called: Wilms tumor, somatic. Identifiers: Orphanet 654, MedGen CN033288, MONDO:0008679, OMIM 194070.
11p partial monosomy syndrome (WAGR). Also called: CHROMOSOME 11p13 DELETION SYNDROME; WAGR Complex; WAGR Spectrum Disorder; WAGR syndrome. Identifiers: Orphanet 893, MedGen C0206115, MONDO:0008681, OMIM 194072.
Frasier syndrome. Identifiers: Orphanet 347, MedGen C0950122, MeSH D052159, MONDO:0007635, OMIM 136680.
Drash syndrome (DDS). Also called: NEPHROPATHY, WILMS TUMOR, AND GENITAL ANOMALIES; WILMS TUMOR AND PSEUDO- OR TRUE HERMAPHRODITISM. Identifiers: Orphanet 220, MedGen C0950121, MONDO:0008682, OMIM 194080.
Inborn genetic diseases. Identifiers: MedGen C0950123, MeSH D030342.

gnomAD v4.1: 1 of 1,526,228 alleles (0.000066%); no homozygotes.

Submissions (3):

Ambry Genetics
Classification: Likely benign for Inborn genetic diseases. Last evaluated: 2025-05-14. Review status: criteria provided, single submitter. Criteria: Ambry Variant Classification Scheme 2023. Collection method: clinical testing. Allele origin: germline.

Labcorp Genetics (formerly Invitae), Labcorp
Classification: Uncertain significance for Wilms tumor 1; Drash syndrome; 11p partial monosomy syndrome; Frasier syndrome. Last evaluated: 2023-10-16. Review status: criteria provided, single submitter. Criteria: Invitae Variant Classification Sherloc (09022015). Collection method: clinical testing. Allele origin: germline.
Comment: This sequence change replaces glutamine, which is neutral and polar, with arginine, which is basic and polar, at codon 54 of the WT1 protein (p.Gln54Arg). This variant is not present in population databases (gnomAD no frequency). This variant has not been reported in the literature in individuals affected with WT1-related conditions. ClinVar contains an entry for this variant (Variation ID: 1375792). An algorithm developed to predict the effect of missense changes on protein structure and function (PolyPhen-2) suggests that this variant is likely to be tolerated. In summary, the available evidence is currently insufficient to determine the role of this variant in disease. Therefore, it has been classified as a Variant of Uncertain Significance.

Blueprint Genetics
Classification: Uncertain significance. Last evaluated: 2021-07-26. Review status: criteria provided, single submitter. Criteria: ACMG Guidelines, 2015. Collection method: clinical testing. Allele origin: germline.

NM_024426.6(WT1):c.176A>G (p.Gln59Arg)

Genes: WT1 (WT1 transcription factor; minus strand), LOC107982234 (WT1/WT1-AS bi-directional promoter region; plus strand). Cytogenetic location: 11p13.
Variant type: single nucleotide variant.
Coding change: c.176A>G on transcript NM_024426.6 (MANE Select); coding-DNA position 176, A replaced by G.
Protein change: p.Gln59Arg; replaces glutamine 59 with arginine.
Molecular consequence: missense variant. On other transcripts: non-coding transcript variant (1).
Genome position (GRCh38, 1-based): chr11:32,435,185, T>C on the plus strand (A>G on the coding strand, the complement: WT1 is on the minus strand). VCF-style: chr11-32435185-T-C. GRCh37 (hg19) VCF-style: chr11-32456731-T-C.
Other names: c.176A>G, p.Gln59Arg (NM_000378.6, NM_024424.5); c.161A>G (NM_024426.4); short protein forms Q59R.
Identifiers: ClinVar variation 1375792 (VCV001375792.10), dbSNP rs2133106426, ClinGen allele CA379966225.
Genomic context (GRCh38, chr11:32,435,185, plus strand): 5'-CGCACGTCGGAGCCCATTTGCTGCGGCTCAGACCCGGACGCCCCGCGGCTCCTCCGGCCC[T>C]GGAGACGTTCAGCGCTGGCCTCGGCGGCGCCTAACTTGGCCCAGATGCCGCCCGGGTCCC-3'
Protein context (NP_077744.4, residues 49-69): GAAEASAERL[Gln59Arg]GRRSRGASGS